The following is an entry in ClinVar:

ClinVar aggregate classification (germline): Uncertain significance (1 of 4 stars; one submission).

Conditions:
Progressive myoclonic epilepsy. Also called: Familial progressive myoclonic epilepsy; Myoclonic Epilepsies, Progressive; Myoclonus epilepsy; Progressive myoclonus epilepsy. Identifiers: Orphanet 308, Orphanet 98261, MedGen C0751778, MONDO:0020074.

Allele frequency attached by ClinVar (database versions not stated): gnomAD exomes below 0.00001 and 0.00001; gnomAD 0.00001; TOPMed 0.00001.
gnomAD v4.1: 3 of 1,604,476 alleles (0.00019%); highest among the groups gnomAD compares: Admixed American, 0.005%; no homozygotes.

Submission:

Labcorp Genetics (formerly Invitae), Labcorp
Classification: Uncertain significance for Progressive myoclonic epilepsy. Last evaluated: 2022-06-13. Review status: criteria provided, single submitter. Criteria: Invitae Variant Classification Sherloc (09022015). Collection method: clinical testing. Allele origin: germline.
Comment: This sequence change replaces lysine, which is basic and polar, with arginine, which is basic and polar, at codon 57 of the GOSR2 protein (p.Lys57Arg). This variant is present in population databases (no rsID available, gnomAD 0.003%). This variant has not been reported in the literature in individuals affected with GOSR2-related conditions. Algorithms developed to predict the effect of missense changes on protein structure and function are either unavailable or do not agree on the potential impact of this missense change (SIFT: "Tolerated"; PolyPhen-2: "Possibly Damaging"; Align-GVGD: "Class C0"). Algorithms developed to predict the effect of sequence changes on RNA splicing suggest that this variant may create or strengthen a splice site. In summary, the available evidence is currently insufficient to determine the role of this variant in disease. Therefore, it has been classified as a Variant of Uncertain Significance.

NM_004287.5(GOSR2):c.170A>G (p.Lys57Arg)

Genes: GOSR2 (golgi SNAP receptor complex member 2; plus strand), LRRC37A2 (leucine rich repeat containing 37 member A2), LOC126862578 (BRD4-independent group 4 enhancer GRCh37_chr17:45008344-45009543; plus strand). Cytogenetic location: 17q21.32.
Variant type: single nucleotide variant.
Coding change: c.170A>G on transcript NM_004287.5 (MANE Select); coding-DNA position 170, A replaced by G.
Protein change: p.Lys57Arg; replaces lysine 57 with arginine.
Molecular consequence: missense variant. On other transcripts: non-coding transcript variant (3).
Genome position (GRCh38, 1-based): chr17:46,931,174, A>G. VCF-style: chr17-46931174-A-G. GRCh37 (hg19) VCF-style: chr17-45008540-A-G.
Other names: c.170A>G, p.Lys57Arg (NM_001012511.3, NM_001321133.2, NM_001330252.2 and 1 more transcripts); c.116A>G, p.Lys39Arg (NM_001321134.2, NM_001363851.2); c.167A>G, p.Lys56Arg (NM_001353114.2, NM_001353115.2, NM_001353116.2); short protein forms K39R, K57R, K56R.
Identifiers: ClinVar variation 1437867 (VCV001437867.8), dbSNP rs1396367618, ClinGen allele CA400016756.